The following is an entry in ClinVar:

NM_007294.4(BRCA1):c.26A>T (p.Glu9Val)

Gene: BRCA1 (BRCA1 DNA repair associated; minus strand). Cytogenetic location: 17q21.31.
Variant type: single nucleotide variant.
Coding change: c.26A>T on transcript NM_007294.4 (MANE Select); coding-DNA position 26, A replaced by T.
Protein change: p.Glu9Val; replaces glutamic acid 9 with valine.
Molecular consequence: missense variant. On other transcripts: 5 prime UTR variant (1), non-coding transcript variant (1).
Genome position (GRCh38, 1-based): chr17:43,124,071, T>A on the plus strand (A>T on the coding strand, the complement: BRCA1 is on the minus strand). VCF-style: chr17-43124071-T-A. GRCh37 (hg19) VCF-style: chr17-41276088-T-A.
Other names: c.26A>T, p.Glu9Val (NM_001408445.1, NM_001408446.1, NM_001408447.1 and 193 more transcripts); c.-235A>T (NM_001408452.1, NM_001408462.1, NM_001408463.1 and 22 more transcripts); c.-62A>T (NM_001408454.1, NM_001408459.1, NM_001408460.1 and 23 more transcripts); c.-232A>T (NM_001408455.1, NM_001408456.1, NM_001408468.1 and 11 more transcripts); c.-236A>T (NM_001408465.1, NM_001407695.1); c.-163A>T (NM_001408478.1, NM_001408479.1, NM_001408480.1 and 46 more transcripts); c.-308A>T (NM_001408482.1); c.-279A>T (NM_001408492.1, NM_001407889.1); and 8 more; short protein forms E9V.
Identifiers: ClinVar variation 868708 (VCV000868708.3), dbSNP rs2055738683, ClinGen allele CA10602110.
Genomic context (GRCh38, chr17:43,124,071, plus strand): 5'-ACTTACCAGATGGGACACTCTAAGATTTTCTGCATAGCATTAATGACATTTTGTACTTCT[T>A]CAACGCGAAGAGCAGATAAATCCATTTCTTTCTGTTCCAATGAACTTTAACACATTAGAA-3'
Protein context (NP_009225.1, residues 1-19): MDLSALRV[Glu9Val]EVQNVINAMQ

Conditions:
Breast-ovarian cancer, familial, susceptibility to, 1 (BROVCA1). Also called: BRCA1 Hereditary Breast and Ovarian Cancer; OVARIAN CANCER, SUSCEPTIBILITY TO. Identifiers: Orphanet 145, MedGen C2676676, MONDO:0011450, OMIM 604370. Disease mechanism: loss of function.

Submission:

Brotman Baty Institute, University of Washington
No classification provided (evidence only). Condition: Breast-ovarian cancer, familial 1. Review status: no classification provided. Collection method: in vitro. Allele origin: not applicable. Functional consequence: functionally_normal.
ClinVar note: "not provided" was previously submitted as the classification for the variant. However, the classification appeared to be based only on an observation of functional data so it was converted to no classification on 2025-07-30.